The following is an entry in ClinVar:

NM_181077.5(GOLGA8A):c.297G>A (p.Lys99=)

Gene: GOLGA8A (golgin A8 family member A; minus strand). Cytogenetic location: 15q14.
Variant type: single nucleotide variant.
Coding change: c.297G>A on transcript NM_181077.5 (MANE Select); coding-DNA position 297, G replaced by A.
Protein change: p.Lys99=; no amino-acid change (lysine 99 retained).
Molecular consequence: synonymous variant. On other transcripts: non-coding transcript variant (2).
Genome position (GRCh38, 1-based): chr15:34,385,767, C>T on the plus strand (G>A on the coding strand, the complement: GOLGA8A is on the minus strand). VCF-style: chr15-34385767-C-T. GRCh37 (hg19) VCF-style: chr15-34677968-C-T.
Other names: c.297G>A, p.Lys99= (NM_001368071.2, NM_001368072.2, NM_001386893.1 and 1 more transcripts).
Identifiers: ClinVar variation 3770988 (VCV003770988.13).

ClinVar aggregate classification (germline): Likely benign (1 of 4 stars; one submission).

Submission:

CeGaT Center for Human Genetics Tuebingen
Classification: Likely benign. Last evaluated: 2026-07-01. Review status: criteria provided, single submitter. Criteria: CeGaT Center For Human Genetics Tuebingen Variant Classification Criteria Version 2. Collection method: clinical testing. Allele origin: germline. Affected: yes. Observed: 7 variant alleles.
Comment: GOLGA8A: BP4, BP7